The following is an entry in ClinVar:

NM_000051.4(ATM):c.1488T>A (p.Ser496Arg)

Gene: ATM (ATM serine/threonine kinase; plus strand). Cytogenetic location: 11q22.3.
Variant type: single nucleotide variant.
Coding change: c.1488T>A on transcript NM_000051.4 (MANE Select); coding-DNA position 1488, T replaced by A.
Protein change: p.Ser496Arg; replaces serine 496 with arginine.
Molecular consequence: missense variant.
Genome position (GRCh38, 1-based): chr11:108,250,953, T>A. VCF-style: chr11-108250953-T-A. GRCh37 (hg19) VCF-style: chr11-108121680-T-A.
Other names: c.1488T>A, p.Ser496Arg (NM_001351834.2); short protein forms S496R.
Identifiers: ClinVar variation 2703876 (VCV002703876.3), dbSNP rs1800737, ClinGen allele CA382534202.

ClinVar aggregate classification (germline): Uncertain significance (1 of 4 stars; one submission).

Conditions:
Ataxia-telangiectasia syndrome (AT). Also called: ATAXIA-TELANGIECTASIA, COMPLEMENTATION GROUP A; ATAXIA-TELANGIECTASIA, FRESNO VARIANT; Ataxia-telangiectasia, complementation group D; LOUIS-BAR SYNDROME; AT, COMPLEMENTATION GROUP C; Ataxia-telangiectasia. Identifiers: Orphanet 100, MedGen C0004135, MONDO:0008840, OMIM 208900.

Submission:

Labcorp Genetics (formerly Invitae), Labcorp
Classification: Uncertain significance for Ataxia-telangiectasia syndrome. Last evaluated: 2023-12-18. Review status: criteria provided, single submitter. Criteria: Invitae Variant Classification Sherloc (09022015). Collection method: clinical testing. Allele origin: germline.
Comment: This sequence change replaces serine, which is neutral and polar, with arginine, which is basic and polar, at codon 496 of the ATM protein (p.Ser496Arg). This variant is not present in population databases (gnomAD no frequency). This variant has not been reported in the literature in individuals affected with ATM-related conditions. An algorithm developed to predict the effect of missense changes on protein structure and function (PolyPhen-2) suggests that this variant is likely to be disruptive. In summary, the available evidence is currently insufficient to determine the role of this variant in disease. Therefore, it has been classified as a Variant of Uncertain Significance.